The following is an entry in ClinVar:

NM_001365715.1(LRCH3):c.987A>G (p.Thr329=)

Gene: LRCH3 (leucine rich repeats and calponin homology domain containing 3; plus strand). Cytogenetic location: 3q29.
Variant type: single nucleotide variant.
Coding change: c.987A>G on transcript NM_001365715.1 (MANE Select); coding-DNA position 987, A replaced by G.
Protein change: p.Thr329=; no amino-acid change (threonine 329 retained).
Molecular consequence: synonymous variant. On other transcripts: non-coding transcript variant (1).
Genome position (GRCh38, 1-based): chr3:197,832,202, A>G. VCF-style: chr3-197832202-A-G. GRCh37 (hg19) VCF-style: chr3-197559073-A-G.
Other names: c.987A>G, p.Thr329= (NM_001363887.1, NM_001365716.1, NM_001365717.1 and 3 more transcripts).
Identifiers: ClinVar variation 3058301 (VCV003058301.2), dbSNP rs143788297, ClinGen allele CA2788173.

ClinVar aggregate classification (germline): Likely benign (0 of 4 stars; one submission).

Conditions:
LRCH3-related disorder. Also called: LRCH3-related condition.

Allele frequency attached by ClinVar (database versions not stated): ExAC 0.00035; 1000 Genomes Project 0.00080; 1000 Genomes Project 30x 0.00094; TOPMed 0.00119; ESP Exome Variant Server 0.00169.
gnomAD v4.1: 340 of 1,612,376 alleles (0.021%); highest among the groups gnomAD compares: African/African-American, 0.4%; 3 homozygotes.

Submission:

PreventionGenetics, part of Exact Sciences
Classification: Likely benign for LRCH3-related condition. Last evaluated: 2019-03-04. Review status: no assertion criteria provided. Collection method: clinical testing. Allele origin: germline.
Comment: This variant is classified as likely benign based on ACMG/AMP sequence variant interpretation guidelines (Richards et al. 2015 PMID: 25741868, with internal and published modifications).